The following is an entry in ClinVar:

ClinVar aggregate classification (germline): Uncertain significance. Review status: criteria provided, multiple submitters, no conflicts (2 of 4 stars). 2 submissions from 2 submitters: Uncertain significance (2). Last evaluated 2025-08-06.

Conditions:
Early Myoclonic Encephalopathy. Identifiers: MedGen C0270855.

Allele frequency attached by ClinVar (database versions not stated): ExAC 0.00009; gnomAD 0.00008; gnomAD exomes 0.00009 and 0.00023; ESP Exome Variant Server 0.00016; TOPMed 0.00008.
gnomAD v4.1: 338 of 1,603,778 alleles (0.021%); highest among the groups gnomAD compares: Non-Finnish European, 0.028%; no homozygotes.

Submissions (2):

Labcorp Genetics (formerly Invitae), Labcorp
Classification: Uncertain significance for Early Myoclonic Encephalopathy. Last evaluated: 2025-08-06. Review status: criteria provided, single submitter. Criteria: Invitae Variant Classification Sherloc (09022015). Collection method: clinical testing. Allele origin: germline.
Comment: This sequence change replaces glutamic acid, which is acidic and polar, with aspartic acid, which is acidic and polar, at codon 1623 of the JMJD1C protein (p.Glu1623Asp). This variant is present in population databases (rs200686331, gnomAD 0.02%). This variant has not been reported in the literature in individuals affected with JMJD1C-related conditions. ClinVar contains an entry for this variant (Variation ID: 846569). Invitae Evidence Modeling of protein sequence and biophysical properties (such as structural, functional, and spatial information, amino acid conservation, physicochemical variation, residue mobility, and thermodynamic stability) indicates that this missense variant is not expected to disrupt JMJD1C protein function with a negative predictive value of 80%. In summary, the available evidence is currently insufficient to determine the role of this variant in disease. Therefore, it has been classified as a Variant of Uncertain Significance.

Ambry Genetics
Classification: Uncertain significance. Last evaluated: 2023-12-19. Review status: criteria provided, single submitter. Criteria: Ambry Variant Classification Scheme 2023. Collection method: clinical testing. Allele origin: germline.

NM_032776.3(JMJD1C):c.4869A>T (p.Glu1623Asp)

Gene: JMJD1C (jumonji domain containing 1C; minus strand). Cytogenetic location: 10q21.3.
Variant type: single nucleotide variant.
Coding change: c.4869A>T on transcript NM_032776.3 (MANE Select); coding-DNA position 4869, A replaced by T.
Protein change: p.Glu1623Asp; replaces glutamic acid 1623 with aspartic acid.
Molecular consequence: missense variant. On other transcripts: non-coding transcript variant (1).
Genome position (GRCh38, 1-based): chr10:63,206,800, T>A on the plus strand (A>T on the coding strand, the complement: JMJD1C is on the minus strand). VCF-style: chr10-63206800-T-A. GRCh37 (hg19) VCF-style: chr10-64966560-T-A.
Other names: c.4323A>T, p.Glu1441Asp (NM_001282948.2, NM_001318154.2); c.4005A>T, p.Glu1335Asp (NM_001318153.2); c.4755A>T, p.Glu1585Asp (NM_001322252.2); c.4212A>T, p.Glu1404Asp (NM_001322254.2, NM_001322258.2); c.4869A>T (NM_032776.1); short protein forms E1404D, E1623D, E1335D, E1585D, E1441D.
Identifiers: ClinVar variation 846569 (VCV000846569.8), dbSNP rs200686331, ClinGen allele CA5518192.